The following is an entry in ClinVar:

NM_003001.5(SDHC):c.21-17A>C

Gene: SDHC (succinate dehydrogenase complex subunit C; plus strand). Cytogenetic location: 1q23.3.
Variant type: single nucleotide variant.
Coding change: c.21-17A>C on transcript NM_003001.5 (MANE Select); 17 bases into the intron before coding-DNA position 21, A replaced by C.
Molecular consequence: intron variant.
Genome position (GRCh38, 1-based): chr1:161,323,597, A>C. VCF-style: chr1-161323597-A-C. GRCh37 (hg19) VCF-style: chr1-161293387-A-C.
Other names: c.-91-17A>C (NM_001407119.1); c.-209-17A>C (NM_001407120.1); c.21-17A>C (NM_001407115.1, NM_001035511.3, NM_001035512.3 and 2 more transcripts); c.21-4799A>C (NM_001407116.1, NM_001407121.1, NM_001407117.1); c.20+9172A>C (NM_001035513.3).
Identifiers: ClinVar variation 3904509 (VCV003904509.1).
Genomic context (GRCh38, chr1:161,323,597, plus strand): 5'-CCCCTAAAAATAGAGAAGTTGATATACTAAAGTTGATCTCTAAATGTGTATTGATTTTTG[A>C]TTCTCTTATCTTGCAGACACGTTGGTCGTCATTGCCTCCGAGCCCACTTTAGCCCTCAGC-3'

ClinVar aggregate classification (germline): Likely benign (1 of 4 stars; one submission).

Conditions:
Pheochromocytoma/paraganglioma syndrome 3. Also called: GLOMUS TUMORS, FAMILIAL, 3; Paragangliomas 3; SDHC-Related Hereditary Paraganglioma-Pheochromocytoma Syndrome (Paragangliomas 3); SDHC-Related Hereditary Paraganglioma-Pheochromocytoma Syndrome. Identifiers: Orphanet 29072, MedGen C1854336, MONDO:0011544, OMIM 605373.

gnomAD v4.1: 1 of 1,609,022 alleles (0.000062%); highest among the groups gnomAD compares: Non-Finnish European, 0.000085%; no homozygotes.

Submission:

Myriad Genetics, Inc.
Classification: Likely benign for Pheochromocytoma/paraganglioma syndrome 3. Last evaluated: 2025-03-14. Review status: criteria provided, single submitter. Criteria: Myriad Autosomal Dominant, Autosomal Recessive and X-Linked Classification Criteria (2023). Collection method: clinical testing. Allele origin: unknown.
Comment: This variant is considered likely benign. This variant is intronic and is not expected to impact mRNA splicing.